The following is an entry in ClinVar:

NM_000751.3(CHRND):c.822T>G (p.Ser274Arg)

Gene: CHRND (cholinergic receptor nicotinic delta subunit; plus strand). Cytogenetic location: 2q37.1.
Variant type: single nucleotide variant.
Coding change: c.822T>G on transcript NM_000751.3 (MANE Select); coding-DNA position 822, T replaced by G.
Protein change: p.Ser274Arg; replaces serine 274 with arginine.
Molecular consequence: missense variant. On other transcripts: synonymous variant (1).
Genome position (GRCh38, 1-based): chr2:232,531,353, T>G. VCF-style: chr2-232531353-T-G. GRCh37 (hg19) VCF-style: chr2-233396063-T-G.
Other names: c.777T>G, p.Ser259Arg (NM_001256657.2); c.240T>G, p.Gly80= (NM_001311195.2); c.519T>G, p.Ser173Arg (NM_001311196.2); short protein forms S173R, S259R, S274R.
Identifiers: ClinVar variation 2440046 (VCV002440046.6), dbSNP rs746002657, ClinGen allele CA2168173.

ClinVar aggregate classification (germline): Uncertain significance. Review status: criteria provided, multiple submitters, no conflicts (2 of 4 stars). 2 submissions from 2 submitters: Uncertain significance (2). Last evaluated 2023-08-16.

Conditions:
Lethal multiple pterygium syndrome (LMPS). Identifiers: Orphanet 33108, MedGen C1854678, MONDO:0009668, OMIM 253290.

Allele frequency attached by ClinVar (database versions not stated): ExAC 0.00001; gnomAD exomes 0.00001; TOPMed 0.00001.
gnomAD v4.1: 4 of 1,611,150 alleles (0.00025%); highest among the groups gnomAD compares: East Asian, 0.0089%; no homozygotes.

Submissions (2):

Labcorp Genetics (formerly Invitae), Labcorp
Classification: Uncertain significance for Lethal multiple pterygium syndrome. Last evaluated: 2023-08-16. Review status: criteria provided, single submitter. Criteria: Invitae Variant Classification Sherloc (09022015). Collection method: clinical testing. Allele origin: germline.
Comment: In summary, the available evidence is currently insufficient to determine the role of this variant in disease. Therefore, it has been classified as a Variant of Uncertain Significance. Algorithms developed to predict the effect of sequence changes on RNA splicing suggest that this variant may disrupt the consensus splice site. An algorithm developed to predict the effect of missense changes on protein structure and function (PolyPhen-2) suggests that this variant is likely to be disruptive. ClinVar contains an entry for this variant (Variation ID: 2440046). This variant has not been reported in the literature in individuals affected with CHRND-related conditions. This variant is present in population databases (rs746002657, gnomAD 0.02%). This sequence change replaces serine, which is neutral and polar, with arginine, which is basic and polar, at codon 274 of the CHRND protein (p.Ser274Arg).

Revvity Omics, Revvity
Classification: Uncertain significance. Last evaluated: 2019-10-09. Review status: criteria provided, single submitter. Criteria: ACMG Guidelines, 2015. Collection method: clinical testing. Allele origin: germline.